The following is an entry in ClinVar:

ClinVar aggregate classification (germline): Conflicting classifications of pathogenicity. Review status: criteria provided, conflicting classifications (1 of 4 stars). 8 submissions from 6 submitters: Uncertain significance (3); Likely benign (5). Last evaluated 2024-02-27.

Conditions:
RYR1-related disorder. Also called: RYR1-related condition; RYR1-related disorders. Identifiers: MedGen CN239331.
Congenital multicore myopathy with external ophthalmoplegia (CMYO1B). Also called: Congenital myopathy 1B, autosomal recessive; Minicore myopathy; MULTICORE MYOPATHY; Minicore myopathy with external ophthalmoplegia; MULTIMINICORE DISEASE WITH EXTERNAL OPHTHALMOPLEGIA. Identifiers: Orphanet 598, Orphanet 98905, MedGen C1850674, MONDO:0009712, OMIM 255320, HP:0003789.
Central core myopathy (CMYO1A). Also called: CONGENITAL MYOPATHY 1A, AUTOSOMAL DOMINANT, WITH SUSCEPTIBILITY TO MALIGNANT HYPERTHERMIA; Central core disease; Myopathy, central fibrillar. Identifiers: Orphanet 597, MedGen C5830701, MONDO:0007294, OMIM 117000.
Malignant hyperthermia, susceptibility to, 1 (MHS1). Also called: RYR1-Related Malignant Hyperthermia Susceptibility; Anesthesia related hyperthermia; Malignant hyperpyrexia; Fulminating hyperpyrexia; Pharmacogenic myopathy; Malignant hyperthermia suceptibility 1. Identifiers: Orphanet 423, MedGen C2930980, MONDO:0007783, OMIM 145600.

Allele frequency attached by ClinVar (database versions not stated): gnomAD 0.00001; gnomAD exomes 0.00001; TOPMed 0.00002.
gnomAD v4.1: 20 of 1,613,812 alleles (0.0012%); highest among the groups gnomAD compares: East Asian, 0.0045%; no homozygotes.

Submissions (8):

Labcorp Genetics (formerly Invitae), Labcorp
Classification: Likely benign for RYR1-related disorder. Last evaluated: 2024-02-27. Review status: criteria provided, single submitter. Criteria: Invitae Variant Classification Sherloc (09022015). Collection method: clinical testing. Allele origin: germline.

All of Us Research Program, National Institutes of Health
Classification: Likely benign for Malignant hyperthermia, susceptibility to, 1. Last evaluated: 2024-02-05. Review status: criteria provided, single submitter. Criteria: ACMG Guidelines, 2015. Collection method: clinical testing. Allele origin: germline. Inheritance: Autosomal dominant inheritance. Observed: 2 variant alleles, 2 heterozygotes.
Comment: This study involves interpretation of variants in research participants for the purpose of population health screening. Participant phenotype was not available at the time of variant classification. Additional details can be found in publication PMID: 35346344, PMCID: PMC8962531

Color Diagnostics, LLC DBA Color Health
Classification: Likely benign for Malignant hyperthermia, susceptibility to, 1. Last evaluated: 2022-11-06. Review status: criteria provided, single submitter. Criteria: ACMG Guidelines, 2015. Collection method: clinical testing. Allele origin: germline.

Blueprint Genetics
Classification: Likely benign. Last evaluated: 2022-06-14. Review status: criteria provided, single submitter. Criteria: ACMG Guidelines, 2015. Collection method: clinical testing. Allele origin: germline.

Illumina Laboratory Services, Illumina
Classification: Uncertain significance for Central core myopathy. Last evaluated: 2017-04-27. Review status: criteria provided, single submitter. Criteria: ICSL Variant Classification Criteria 13 December 2019. Collection method: clinical testing. Allele origin: germline.

Illumina Laboratory Services, Illumina
Classification: Uncertain significance for Malignant hyperthermia, susceptibility to, 1. Last evaluated: 2017-04-27. Review status: criteria provided, single submitter. Criteria: ICSL Variant Classification Criteria 13 December 2019. Collection method: clinical testing. Allele origin: germline.

Illumina Laboratory Services, Illumina
Classification: Uncertain significance for Congenital multicore myopathy with external ophthalmoplegia. Last evaluated: 2017-04-27. Review status: criteria provided, single submitter. Criteria: ICSL Variant Classification Criteria 13 December 2019. Collection method: clinical testing. Allele origin: germline.

PreventionGenetics, part of Exact Sciences
Classification: Likely benign. Review status: criteria provided, single submitter. Criteria: ACMG Guidelines, 2015. Collection method: clinical testing. Allele origin: germline.

NM_000540.3(RYR1):c.4488C>T (p.Gly1496=)

Gene: RYR1 (ryanodine receptor 1; plus strand). Cytogenetic location: 19q13.2.
Variant type: single nucleotide variant.
Coding change: c.4488C>T on transcript NM_000540.3 (MANE Select); coding-DNA position 4488, C replaced by T.
Protein change: p.Gly1496=; no amino-acid change (glycine 1496 retained).
Molecular consequence: synonymous variant.
Genome position (GRCh38, 1-based): chr19:38,478,468, C>T. VCF-style: chr19-38478468-C-T. GRCh37 (hg19) VCF-style: chr19-38969108-C-T.
Other names: c.4488C>T, p.Gly1496= (NM_001042723.2).
Identifiers: ClinVar variation 256510 (VCV000256510.16), dbSNP rs886038331, ClinGen allele CA10587311.